The following is an entry in ClinVar:

NM_001142800.2(EYS):c.6025A>G (p.Lys2009Glu)

Gene: EYS (EGF-like photoreceptor maintenance factor; minus strand). Cytogenetic location: 6q12.
Variant type: single nucleotide variant.
Coding change: c.6025A>G on transcript NM_001142800.2 (MANE Select); coding-DNA position 6025, A replaced by G.
Protein change: p.Lys2009Glu; replaces lysine 2009 with glutamic acid.
Molecular consequence: missense variant.
Genome position (GRCh38, 1-based): chr6:64,388,743, T>C on the plus strand (A>G on the coding strand, the complement: EYS is on the minus strand). VCF-style: chr6-64388743-T-C. GRCh37 (hg19) VCF-style: chr6-65098636-T-C.
Other names: c.6025A>G, p.Lys2009Glu (NM_001292009.2); short protein forms K2009E.
Identifiers: ClinVar variation 167048 (VCV000167048.23), dbSNP rs559078881, ClinGen allele CA180012.
Genomic context (GRCh38, chr6:64,388,743, plus strand): 5'-GAAATACCTGGATTTTCCCATGAAGGTCTGGAAATCCACCAATGAAGACAGATCCTGATT[T>C]TGGCAGGGGTTTTCCGAGTACATGATTGATAGATTCGCATATTTGTGTATTCCTCCCTAA-3'
Protein context (NP_001136272.1, residues 1999-2019): INHVLGKPLP[Lys2009Glu]SGSVFIGGFP

ClinVar aggregate classification (germline): Conflicting classifications of pathogenicity. Review status: criteria provided, conflicting classifications (1 of 4 stars). 7 submissions from 7 submitters: Uncertain significance (1); Benign (1); Likely benign (4). 1 of the submissions does not count toward it. Last evaluated 2026-06-03.

Conditions:
Inborn genetic diseases. Identifiers: MedGen C0950123, MeSH D030342.
EYS-related disorder. Also called: EYS-related condition.
Retinitis pigmentosa (RP). Identifiers: Orphanet 791, MedGen C0035334, MeSH D012174, MONDO:0019200, OMIM 268000. Inheritance: Autosomal dominant, autosomal recessive and X linked inheritance.

Allele frequency attached by ClinVar (database versions not stated): 1000 Genomes Project 0.00200; gnomAD 0.00029 and 0.00001; TOPMed 0.00006; gnomAD exomes 0.00148; 1000 Genomes Project 30x 0.00281; ExAC 0.00354.
gnomAD v4.1: 849 of 1,544,872 alleles (0.055%); highest among the groups gnomAD compares: South Asian, 0.97%; 7 homozygotes.

Submissions (7):

PreventionGenetics, part of Exact Sciences
Classification: Benign for EYS-related condition. Last evaluated: 2026-06-03. Review status: criteria provided, single submitter. Criteria: ACMG Guidelines, 2015. Collection method: clinical testing. Allele origin: germline.
Comment: This variant is classified as benign based on ACMG/AMP sequence variant interpretation guidelines (Richards et al. 2015 PMID: 25741868, with internal and published modifications).

Labcorp Genetics (formerly Invitae), Labcorp
Classification: Likely benign. Last evaluated: 2026-01-25. Review status: criteria provided, single submitter. Criteria: Invitae Variant Classification Sherloc (09022015). Collection method: clinical testing. Allele origin: germline.

Blueprint Genetics
Classification: Likely benign. Last evaluated: 2024-11-13. Review status: criteria provided, single submitter. Criteria: ACMG Guidelines, 2015. Collection method: clinical testing. Allele origin: germline.

Ambry Genetics
Classification: Likely benign for Inborn genetic diseases. Last evaluated: 2023-10-05. Review status: criteria provided, single submitter. Criteria: Ambry Variant Classification Scheme 2023. Collection method: clinical testing. Allele origin: germline.

Illumina Laboratory Services, Illumina
Classification: Uncertain significance for Retinitis pigmentosa. Last evaluated: 2018-01-13. Review status: criteria provided, single submitter. Criteria: ICSL Variant Classification Criteria 13 December 2019. Collection method: clinical testing. Allele origin: germline.

Eurofins Ntd Llc (ga)
Classification: Likely benign. Last evaluated: 2015-03-30. Review status: criteria provided, single submitter. Criteria: EGL Classification Definitions 2015. Collection method: clinical testing. Allele origin: germline. Observed: 2 variant alleles, 2 heterozygotes.

Natera, Inc.
Classification: Likely benign for Retinitis pigmentosa. Last evaluated: 2019-12-31. Review status: no assertion criteria provided. Collection method: clinical testing. Allele origin: germline. Not counted in ClinVar's aggregate classification.